The following is an entry in ClinVar:

ClinVar aggregate classification (germline): Uncertain significance (1 of 4 stars; one submission).

Conditions:
Pyruvate dehydrogenase E1-alpha deficiency (PDHAD). Also called: ATAXIA, INTERMITTENT, WITH PYRUVATE DEHYDROGENASE DEFICIENCY; ATAXIA WITH LACTIC ACIDOSIS I; ATAXIA, INTERMITTENT, WITH ABNORMAL PYRUVATE METABOLISM; Ataxia, intermittent, with pyruvate dehydrogenase, or decarboxylase, deficiency. Identifiers: Orphanet 79243, MedGen C1839413, MONDO:0010717, OMIM 312170.

Submission:

3billion
Classification: Uncertain significance for Pyruvate dehydrogenase E1-alpha deficiency. Last evaluated: 2024-11-15. Review status: criteria provided, single submitter. Criteria: ACMG Guidelines, 2015. Collection method: clinical testing. Allele origin: germline. Affected: yes.
Comment: The variant is not observed in the gnomAD v4.1.0 dataset. Predicted Consequence/Location: Missense variant Damaging effect on gene or gene product predicted by in silico programs is uncertain [REVEL: 0.40 (damaging >=0.6, benign <0.4), 3Cnet: 0.00 (damaging >=0.6, benign <0.15)]. Therefore, this variant is classified as VUS according to the recommendation of ACMG/AMP guideline.

NM_000284.4(PDHA1):c.44C>T (p.Ala15Val)

Gene: PDHA1 (pyruvate dehydrogenase E1 subunit alpha 1; plus strand). Cytogenetic location: Xp22.12.
Variant type: single nucleotide variant.
Coding change: c.44C>T on transcript NM_000284.4 (MANE Select); coding-DNA position 44, C replaced by T.
Protein change: p.Ala15Val; replaces alanine 15 with valine.
Molecular consequence: missense variant.
Genome position (GRCh38, 1-based): chrX:19,344,081, C>T. VCF-style: chrX-19344081-C-T. GRCh37 (hg19) VCF-style: chrX-19362199-C-T.
Other names: c.44C>T, p.Ala15Val (NM_001173454.2, NM_001173455.2, NM_001173456.2); short protein forms A15V.
Identifiers: ClinVar variation 4292145 (VCV004292145.1).